The following is an entry in ClinVar:

ClinVar aggregate classification (germline): Uncertain significance (1 of 4 stars; one submission).

Submission:

Labcorp Genetics (formerly Invitae), Labcorp
Classification: Uncertain significance. Last evaluated: 2021-08-09. Review status: criteria provided, single submitter. Criteria: Invitae Variant Classification Sherloc (09022015). Collection method: clinical testing. Allele origin: germline.
Comment: This sequence change replaces arginine with serine at codon 75 of the RDH5 protein (p.Arg75Ser). The arginine residue is moderately conserved and there is a moderate physicochemical difference between arginine and serine. This variant is present in population databases (rs144321355, ExAC 0.002%). This variant has not been reported in the literature in individuals affected with RDH5-related conditions. Algorithms developed to predict the effect of missense changes on protein structure and function are either unavailable or do not agree on the potential impact of this missense change (SIFT: "Tolerated"; PolyPhen-2: "Probably Damaging"; Align-GVGD: "Class C0"). Algorithms developed to predict the effect of sequence changes on RNA splicing suggest that this variant may create or strengthen a splice site. In summary, the available evidence is currently insufficient to determine the role of this variant in disease. Therefore, it has been classified as a Variant of Uncertain Significance.

NM_002905.5(RDH5):c.223C>A (p.Arg75Ser)

Genes: BLOC1S1-RDH5 (BLOC1S1-RDH5 readthrough; plus strand), RDH5 (retinol dehydrogenase 5; plus strand). Cytogenetic location: 12q13.2.
Variant type: single nucleotide variant.
Coding change: c.223C>A on transcript NM_002905.5 (MANE Select); coding-DNA position 223, C replaced by A.
Protein change: p.Arg75Ser; replaces arginine 75 with serine.
Molecular consequence: missense variant.
Genome position (GRCh38, 1-based): chr12:55,721,407, C>A. VCF-style: chr12-55721407-C-A. GRCh37 (hg19) VCF-style: chr12-56115191-C-A.
Other names: c.223C>A, p.Arg75Ser (NM_001199771.3); short protein forms R75S.
Identifiers: ClinVar variation 1392412 (VCV001392412.3), dbSNP rs144321355, ClinGen allele CA6616774.